The following is an entry in ClinVar:

NM_182914.3(SYNE2):c.13423-5A>G

Gene: SYNE2 (spectrin repeat containing nuclear envelope protein 2; plus strand). Cytogenetic location: 14q23.2.
Variant type: single nucleotide variant.
Coding change: c.13423-5A>G on transcript NM_182914.3 (MANE Select); 5 bases into the intron before coding-DNA position 13423, A replaced by G.
Molecular consequence: intron variant.
Genome position (GRCh38, 1-based): chr14:64,125,074, A>G. VCF-style: chr14-64125074-A-G. GRCh37 (hg19) VCF-style: chr14-64591792-A-G.
Other names: c.13423-5A>G (NM_015180.6).
Identifiers: ClinVar variation 1055424 (VCV001055424.9), dbSNP rs2153670816, ClinGen allele CA2499222655.

ClinVar aggregate classification (germline): Uncertain significance (1 of 4 stars; one submission).

Conditions:
Emery-Dreifuss muscular dystrophy 5, autosomal dominant (EDMD5). Also called: EMERY-DREIFUSS MUSCULAR DYSTROPHY 5. Identifiers: Orphanet 261, MedGen C2751805, MONDO:0013072, OMIM 612999.

gnomAD v4.1: 1 of 1,614,140 alleles (0.000062%); highest among the groups gnomAD compares: Non-Finnish European, 0.000085%; no homozygotes.

Submission:

Labcorp Genetics (formerly Invitae), Labcorp
Classification: Uncertain significance for Emery-Dreifuss muscular dystrophy 5, autosomal dominant. Last evaluated: 2025-02-17. Review status: criteria provided, single submitter. Criteria: Invitae Variant Classification Sherloc (09022015). Collection method: clinical testing. Allele origin: germline.
Comment: This sequence change falls in intron 70 of the SYNE2 gene. It does not directly change the encoded amino acid sequence of the SYNE2 protein. This variant is not present in population databases (gnomAD no frequency). This variant has not been reported in the literature in individuals affected with SYNE2-related conditions. ClinVar contains an entry for this variant (Variation ID: 1055424). Algorithms developed to predict the effect of sequence changes on RNA splicing suggest that this variant may disrupt the consensus splice site. In summary, the available evidence is currently insufficient to determine the role of this variant in disease. Therefore, it has been classified as a Variant of Uncertain Significance.